The following is an entry in ClinVar:

NM_007194.4(CHEK2):c.724del (p.Thr242fs)

Gene: CHEK2 (checkpoint kinase 2; minus strand). Cytogenetic location: 22q12.1.
Variant type: Deletion.
Coding change: c.724del on transcript NM_007194.4 (MANE Select); coding-DNA position 724, one base deleted (A; older notation c.724delA).
Protein change: p.Thr242fs; shifts the reading frame from threonine 242.
Molecular consequence: frameshift variant.
Genome position (GRCh38, 1-based): chr22:28,711,977, T deleted on the plus strand (A on the coding strand, the reverse complement: CHEK2 is on the minus strand); the first of 4 consecutive T bases (chr22:28,711,977-28,711,980); deleting any one gives the same sequence. VCF-style (leftmost placement, unchanged base first): chr22-28711976-GT-G. GRCh37 (hg19) VCF-style: chr22-29107964-GT-G.
Other names: c.850delA, p.Thr285Hisfs (NM_001005735.3); c.58delA, p.Thr21Hisfs (NM_001257387.3); c.520delA, p.Thr175Hisfs (NM_001349956.3); c.721delA, p.Thr242Hisfs (NM_145862.3); short protein forms T175fs, T21fs, T242fs, T285fs.
Identifiers: ClinVar variation 1075895 (VCV001075895.10), dbSNP rs2145951385, ClinGen allele CA2499226082.

ClinVar aggregate classification (germline): Pathogenic. Review status: criteria provided, multiple submitters, no conflicts (2 of 4 stars). 2 submissions from 2 submitters: Pathogenic (2). Last evaluated 2025-01-06.

Conditions:
CHEK2-related cancer predisposition (TPDS4). Also called: CHEK2-related cancer susceptibility; TUMOR PREDISPOSITION SYNDROME 4; CANCER PREDISPOSITION SYNDROME, CHEK2-RELATED. Identifiers: Orphanet 524, MedGen C5882668, MONDO:0700271, OMIM 609265.
Familial cancer of breast. Also called: hereditary breast carcinoma; Hereditary breast cancer; BREAST CANCER, FAMILIAL. Identifiers: Orphanet 227535, MedGen C0346153, MONDO:0016419, OMIM 114480. Disease mechanism: loss of function.

Submissions (2):

KCCC/NGS Laboratory, Kuwait Cancer Control Center
Classification: Pathogenic for CHEK2-related cancer predisposition. Last evaluated: 2025-01-06. Review status: criteria provided, single submitter. Criteria: ACMG Guidelines, 2015. Collection method: clinical testing. Allele origin: germline. Inheritance: Autosomal dominant inheritance. Affected: yes. Observed: 1 heterozygote.
Comment: This sequence change creates a premature translational stop signal (p.Thr242Hisfs*5) in the CHEK2 gene. This variant is not present in population databases (gnomAD no frequency). This variant has not been reported in the literature in individuals affected with CHEK2-related conditions. ClinVar contains an entry for this variant (Variation ID: 1075895) classified as pathogenic . Loss-of-function variants in CHEK2 are known to be pathogenic (PMID: 21876083, 24713400). For these reasons, this variant has been classified as Pathogenic. Pathogenic/likely pathogenic mutations in the CHEK2 gene cause susceptibility to breast cancer (OMIM# 114480).

Labcorp Genetics (formerly Invitae), Labcorp
Classification: Pathogenic for Familial cancer of breast. Last evaluated: 2022-07-19. Review status: criteria provided, single submitter. Criteria: Invitae Variant Classification Sherloc (09022015). Collection method: clinical testing. Allele origin: germline.
Comment: This variant is not present in population databases (gnomAD no frequency). For these reasons, this variant has been classified as Pathogenic. ClinVar contains an entry for this variant (Variation ID: 1075895). This variant has not been reported in the literature in individuals affected with CHEK2-related conditions. This sequence change creates a premature translational stop signal (p.Thr242Hisfs*5) in the CHEK2 gene. It is expected to result in an absent or disrupted protein product. Loss-of-function variants in CHEK2 are known to be pathogenic (PMID: 21876083, 24713400).

Literature cited by the submitters: PubMed 21876083 (cited by Labcorp Genetics (formerly Invitae), Labcorp); PubMed 24713400 (cited by Labcorp Genetics (formerly Invitae), Labcorp).